The following is an entry in ClinVar:

NM_177438.3(DICER1):c.19C>A (p.Gln7Lys)

Gene: DICER1 (dicer 1, ribonuclease III; minus strand). Cytogenetic location: 14q32.13.
Variant type: single nucleotide variant.
Coding change: c.19C>A on transcript NM_177438.3 (MANE Select); coding-DNA position 19, C replaced by A.
Protein change: p.Gln7Lys; replaces glutamine 7 with lysine.
Molecular consequence: missense variant. On other transcripts: 5 prime UTR variant (8), non-coding transcript variant (6), intron variant (1).
Genome position (GRCh38, 1-based): chr14:95,133,440, G>T on the plus strand (C>A on the coding strand, the complement: DICER1 is on the minus strand). VCF-style: chr14-95133440-G-T. GRCh37 (hg19) VCF-style: chr14-95599777-G-T.
Other names: c.19C>A, p.Gln7Lys (NM_001195573.1, NM_001271282.3, NM_001291628.2 and 14 more transcripts); c.-256C>A (NM_001395686.1, NM_001395688.1, NM_001395689.1 and 3 more transcripts); c.-440C>A (NM_001395691.1); c.-1550C>A (NM_001395697.1); c.-130-763C>A (NM_001395687.1); short protein forms Q7K.
Identifiers: ClinVar variation 3271976 (VCV003271976.1).
Genomic context (GRCh38, chr14:95,133,440, plus strand): 5'-AAGGACCCATTGGTGAGGAAGCAGGGGTCATGAGCTGCAGGCCTGCCATGCTGAGGGGTT[G>T]CAAAGCAGGGCTTTTCATTCATCCAGTGTTTCTTTCATTGCATTTTTGTTCTAGCACAGC-3'
Protein context (NP_803187.1, residues 1-17): MKSPAL[Gln7Lys]PLSMAGLQLM

ClinVar aggregate classification (germline): Uncertain significance (1 of 4 stars; one submission).

Conditions:
Hereditary cancer-predisposing syndrome. Also called: Tumor predisposition; Hereditary Cancer Syndrome; Hereditary neoplastic syndrome; Neoplastic Syndromes, Hereditary. Identifiers: Orphanet 140162, MedGen C0027672, MeSH D009386, MONDO:0015356.

Submission:

Ambry Genetics
Classification: Uncertain significance for Hereditary cancer-predisposing syndrome. Last evaluated: 2024-03-16. Review status: criteria provided, single submitter. Criteria: Ambry Variant Classification Scheme 2023. Collection method: clinical testing. Allele origin: germline.
Comment: The p.Q7K variant (also known as c.19C>A), located in coding exon 1 of the DICER1 gene, results from a C to A substitution at nucleotide position 19. The glutamine at codon 7 is replaced by lysine, an amino acid with similar properties. This amino acid position is conserved. In addition, this alteration is predicted to be tolerated by in silico analysis. Based on the available evidence, the clinical significance of this alteration remains unclear.